The following is an entry in ClinVar:

ClinVar aggregate classification (germline): Benign/Likely benign. Review status: criteria provided, multiple submitters, no conflicts (2 of 4 stars). 4 submissions from 3 submitters: Benign (2); Likely benign (2). Last evaluated 2021-05-16.

Conditions:
Susceptibility to mononeuropathy of the median nerve, mild. Also called: CARPAL TUNNEL SYNDROME, SUSCEPTIBILITY TO. Identifiers: MedGen C3150596, MONDO:0013237, OMIM 613353.
Charcot-Marie-Tooth disease type 4C (CMT4C). Also called: CHARCOT-MARIE-TOOTH DISEASE, DEMYELINATING, AUTOSOMAL RECESSIVE, TYPE 4C; CMT 4C; Charcot-Marie-Tooth Neuropathy Type 4C (CMT4C); CHARCOT-MARIE-TOOTH DISEASE, DEMYELINATING, TYPE 4C; SH3TC2-Related Hereditary Motor and Sensory Neuropathy. Identifiers: Orphanet 99949, MedGen C1866636, MONDO:0011113, OMIM 601596.

Allele frequency attached by ClinVar (database versions not stated): gnomAD exomes 0.00201; gnomAD 0.03207 and 0.03466; TOPMed 0.04738; 1000 Genomes Project 0.06969; 1000 Genomes Project 30x 0.06996.
gnomAD v4.1: 5,289 of 152,810 alleles (3.5%); highest among the groups gnomAD compares: Admixed American, 17%; 341 homozygotes.

Submissions (4):

GeneDx
Classification: Likely benign. Last evaluated: 2021-05-16. Review status: criteria provided, single submitter. Criteria: GeneDx Variant Classification Process June 2021. Collection method: clinical testing. Allele origin: germline. Affected: yes.

Illumina Laboratory Services, Illumina
Classification: Benign for Susceptibility to mononeuropathy of the median nerve, mild. Last evaluated: 2018-01-12. Review status: criteria provided, single submitter. Criteria: ICSL Variant Classification Criteria 13 December 2019. Collection method: clinical testing. Allele origin: germline.
Comment: This variant was observed in the ICSL laboratory as part of a predisposition screen in an ostensibly healthy population. It had not been previously curated by ICSL or reported in the Human Gene Mutation Database (HGMD: prior to June 1st, 2018), and was therefore a candidate for classification through an automated scoring system. Utilizing variant allele frequency, disease prevalence and penetrance estimates, and inheritance mode, an automated score was calculated to assess if this variant is too frequent to cause the disease. Based on the score and internal cut-off values, a variant classified as benign is not then subjected to further curation. The score for this variant resulted in a classification of benign for this disease.

Illumina Laboratory Services, Illumina
Classification: Benign for Charcot-Marie-Tooth disease type 4C. Last evaluated: 2018-01-12. Review status: criteria provided, single submitter. Criteria: ICSL Variant Classification Criteria 13 December 2019. Collection method: clinical testing. Allele origin: germline.
Comment: the same text as in the submission from Illumina Laboratory Services, Illumina above.

Breakthrough Genomics
Classification: Likely benign. Review status: criteria provided, single submitter. Criteria: ACMG Guidelines, 2015. Collection method: not provided. Allele origin: germline. Inheritance: Autosomal recessive inheritance. Affected: yes.

NM_024577.4(SH3TC2):c.*2397G>A

Gene: SH3TC2 (SH3 domain and tetratricopeptide repeats 2; minus strand). Cytogenetic location: 5q32.
Variant type: single nucleotide variant.
Coding change: c.*2397G>A on transcript NM_024577.4 (MANE Select); 2397 bases downstream of the stop codon, G replaced by A.
Molecular consequence: 3 prime UTR variant.
Genome position (GRCh38, 1-based): chr5:149,002,314, C>T on the plus strand (G>A on the coding strand, the complement: SH3TC2 is on the minus strand). VCF-style: chr5-149002314-C-T. GRCh37 (hg19) VCF-style: chr5-148381877-C-T.
Identifiers: ClinVar variation 351854 (VCV000351854.7), dbSNP rs17722155, ClinGen allele CA10623506.